The following is an entry in ClinVar:

NM_025152.3(NUBPL):c.260A>G (p.Asn87Ser)

Gene: NUBPL (NUBP iron-sulfur cluster assembly factor, mitochondrial; plus strand). Cytogenetic location: 14q12.
Variant type: single nucleotide variant.
Coding change: c.260A>G on transcript NM_025152.3 (MANE Select); coding-DNA position 260, A replaced by G.
Protein change: p.Asn87Ser; replaces asparagine 87 with serine.
Molecular consequence: missense variant. On other transcripts: non-coding transcript variant (1).
Genome position (GRCh38, 1-based): chr14:31,565,017, A>G. VCF-style: chr14-31565017-A-G. GRCh37 (hg19) VCF-style: chr14-32034223-A-G.
Other names: short protein forms N87S.
Identifiers: ClinVar variation 2073613 (VCV002073613.4), dbSNP rs2502360908, ClinGen allele CA389479765.

ClinVar aggregate classification (germline): Uncertain significance (1 of 4 stars; one submission).

Submission:

Labcorp Genetics (formerly Invitae), Labcorp
Classification: Uncertain significance. Last evaluated: 2022-02-12. Review status: criteria provided, single submitter. Criteria: Invitae Variant Classification Sherloc (09022015). Collection method: clinical testing. Allele origin: germline.
Comment: Algorithms developed to predict the effect of missense changes on protein structure and function are either unavailable or do not agree on the potential impact of this missense change (SIFT: "Tolerated"; PolyPhen-2: "Probably Damaging"; Align-GVGD: "Class C0"). This variant has not been reported in the literature in individuals affected with NUBPL-related conditions. In summary, the available evidence is currently insufficient to determine the role of this variant in disease. Therefore, it has been classified as a Variant of Uncertain Significance. This variant is not present in population databases (gnomAD no frequency). This sequence change replaces asparagine, which is neutral and polar, with serine, which is neutral and polar, at codon 87 of the NUBPL protein (p.Asn87Ser).